The following is an entry in ClinVar:

ClinVar aggregate classification (germline): Uncertain significance (1 of 4 stars; one submission).

Conditions:
Hereditary cancer-predisposing syndrome. Also called: Neoplastic Syndromes, Hereditary; Hereditary Cancer Syndrome; Tumor predisposition; Hereditary neoplastic syndrome. Identifiers: Orphanet 140162, MedGen C0027672, MeSH D009386, MONDO:0015356.

Allele frequency attached by ClinVar (database versions not stated): TOPMed below 0.00001.

Submission:

Labcorp Genetics (formerly Invitae), Labcorp
Classification: Uncertain significance for Hereditary cancer-predisposing syndrome. Last evaluated: 2019-06-06. Review status: criteria provided, single submitter. Criteria: Invitae Variant Classification Sherloc (09022015). Collection method: clinical testing. Allele origin: germline.
Comment: This sequence change replaces glutamine with arginine at codon 174 of the RAD50 protein (p.Gln174Arg). The glutamine residue is moderately conserved and there is a small physicochemical difference between glutamine and arginine. This variant is not present in population databases (ExAC no frequency). This variant has not been reported in the literature in individuals with RAD50-related disease. Algorithms developed to predict the effect of missense changes on protein structure and function do not agree on the potential impact of this missense change (SIFT: "Tolerated"; PolyPhen-2: "Possibly Damaging"; Align-GVGD: "Class C0"). In summary, the available evidence is currently insufficient to determine the role of this variant in disease. Therefore, it has been classified as a Variant of Uncertain Significance.

NM_005732.4(RAD50):c.521A>G (p.Gln174Arg)

Gene: RAD50 (RAD50 double strand break repair protein; plus strand). Cytogenetic location: 5q31.1.
Variant type: single nucleotide variant.
Coding change: c.521A>G on transcript NM_005732.4 (MANE Select); coding-DNA position 521, A replaced by G.
Protein change: p.Gln174Arg; replaces glutamine 174 with arginine.
Molecular consequence: missense variant.
Genome position (GRCh38, 1-based): chr5:132,579,472, A>G. VCF-style: chr5-132579472-A-G. GRCh37 (hg19) VCF-style: chr5-131915164-A-G.
Other names: short protein forms Q174R.
Identifiers: ClinVar variation 573289 (VCV000573289.11), dbSNP rs370955165, ClinGen allele CA360934911.